The following is an entry in ClinVar:

NM_002691.4(POLD1):c.1511C>T (p.Thr504Ile)

Gene: POLD1 (DNA polymerase delta 1, catalytic subunit; plus strand). Cytogenetic location: 19q13.33.
Variant type: single nucleotide variant.
Coding change: c.1511C>T on transcript NM_002691.4 (MANE Select); coding-DNA position 1511, C replaced by T.
Protein change: p.Thr504Ile; replaces threonine 504 with isoleucine.
Molecular consequence: missense variant. On other transcripts: non-coding transcript variant (1).
Genome position (GRCh38, 1-based): chr19:50,406,999, C>T. VCF-style: chr19-50406999-C-T. GRCh37 (hg19) VCF-style: chr19-50910256-C-T.
Other names: c.1511C>T, p.Thr504Ile (NM_001256849.1, NM_001308632.1); short protein forms T504I.
Identifiers: ClinVar variation 469203 (VCV000469203.8), dbSNP rs1555791333, ClinGen allele CA406980778.
Genomic context (GRCh38, chr19:50,406,999, plus strand): 5'-ACCCCCAACCCCTGGTCCCTGACCCCATCCGTGCCCATCCCCAGAATGGGAACGACCAGA[C>T]CCGCCGCCGCCTGGCTGTGTACTGCCTGAAGGATGCCTACCTGCCACTGCGGCTGCTGGA-3'
Protein context (NP_002682.2, residues 494-514): ITDLQNGNDQ[Thr504Ile]RRRLAVYCLK

ClinVar aggregate classification (germline): Uncertain significance (1 of 4 stars; one submission).

Conditions:
POLD1-related polyposis and colorectal cancer syndrome (CRCS10). Also called: Colorectal cancer 10; COLORECTAL CANCER, SUSCEPTIBILITY TO, ON CHROMOSOME 19q; Colorectal cancer, susceptibility to, 10. Identifiers: Orphanet 220460, MedGen C2675481, MONDO:0012953, OMIM 612591.

Allele frequency attached by ClinVar (database versions not stated): TOPMed below 0.00001; gnomAD 0.00001.
gnomAD v4.1: 2 of 1,602,348 alleles (0.00012%); highest among the groups gnomAD compares: Non-Finnish European, 0.00017%; no homozygotes.

Submission:

Labcorp Genetics (formerly Invitae), Labcorp
Classification: Uncertain significance for POLD1-related polyposis and colorectal cancer syndrome. Last evaluated: 2017-07-03. Review status: criteria provided, single submitter. Criteria: Invitae Variant Classification Sherloc (09022015). Collection method: clinical testing. Allele origin: germline.
Comment: This sequence change replaces threonine with isoleucine at codon 504 of the POLD1 protein (p.Thr504Ile). The threonine residue is highly conserved and there is a moderate physicochemical difference between threonine and isoleucine. This variant is not present in population databases (ExAC no frequency). This variant has not been reported in the literature in individuals with POLD1-related disease. Algorithms developed to predict the effect of missense changes on protein structure and function do not agree on the potential impact of this missense change (SIFT: "Deleterious"; PolyPhen-2: "Probably Damaging"; Align-GVGD: "Class C0"). In summary, the available evidence is currently insufficient to determine the role of this variant in disease. Therefore, it has been classified as a Variant of Uncertain Significance.